The following is an entry in ClinVar:

ClinVar aggregate classification (germline): Uncertain significance. Review status: criteria provided, multiple submitters, no conflicts (2 of 4 stars). 2 submissions from 2 submitters: Uncertain significance (2). Last evaluated 2025-09-04.

Conditions:
Intellectual developmental disorder, X-linked, syndromic, Turner type. Also called: X-linked intellectual disability, Turner type; Intellectual disability, X-linked syndromic, Turner type. Identifiers: Orphanet 3056, Orphanet 85328, MedGen C2678046, MONDO:0010407, OMIM 309590.
HUWE1-related disorder. Also called: HUWE1-related condition.

Submissions (2):

PreventionGenetics, part of Exact Sciences
Classification: Uncertain significance for HUWE1-related condition. Last evaluated: 2025-09-04. Review status: criteria provided, single submitter. Criteria: ACMG Guidelines, 2015. Collection method: clinical testing. Allele origin: germline.
Comment: The HUWE1 c.286G>A variant is predicted to result in the amino acid substitution p.Val96Met. To our knowledge, this variant has not been reported in the literature or in a large population database (gnomAD), indicating this variant is rare. At this time, the clinical significance of this variant is uncertain due to the absence of conclusive functional and genetic evidence.

Baylor Genetics
Classification: Uncertain significance for Intellectual developmental disorder, X-linked, syndromic, Turner type. Last evaluated: 2022-02-03. Review status: criteria provided, single submitter. Criteria: ACMG Guidelines, 2015. Collection method: clinical testing. Allele origin: unknown.

NM_031407.7(HUWE1):c.286G>A (p.Val96Met)

Gene: HUWE1 (HECT, UBA and WWE domain containing E3 ubiquitin protein ligase 1; minus strand). Cytogenetic location: Xp11.22.
Variant type: single nucleotide variant.
Coding change: c.286G>A on transcript NM_031407.7 (MANE Select); coding-DNA position 286, G replaced by A.
Protein change: p.Val96Met; replaces valine 96 with methionine.
Molecular consequence: missense variant.
Genome position (GRCh38, 1-based): chrX:53,647,433, C>T on the plus strand (G>A on the coding strand, the complement: HUWE1 is on the minus strand). VCF-style: chrX-53647433-C-T. GRCh37 (hg19) VCF-style: chrX-53674376-C-T.
Other names: c.286G>A (NM_031407.6); short protein forms V96M.
Identifiers: ClinVar variation 2442119 (VCV002442119.2), dbSNP rs892342403, ClinGen allele CA329196615.